The following is an entry in ClinVar:

ClinVar aggregate classification (germline): Conflicting classifications of pathogenicity. Review status: criteria provided, conflicting classifications (1 of 4 stars). 2 submissions from 2 submitters: Uncertain significance (1); Likely benign (1). Last evaluated 2023-06-08.

Conditions:
Tuberous sclerosis 2 (TSC2). Identifiers: Orphanet 805, MedGen C1860707, MONDO:0013199, OMIM 613254.
Tuberous sclerosis syndrome (TSC). Also called: Tuberous Sclerosis Complex; Tuberous sclerosis. Identifiers: Orphanet 805, MedGen C0041341, MONDO:0001734.

Submissions (2):

All of Us Research Program, National Institutes of Health
Classification: Uncertain significance for Tuberous sclerosis syndrome. Last evaluated: 2023-06-08. Review status: criteria provided, single submitter. Criteria: ACMG Guidelines, 2015. Collection method: clinical testing. Allele origin: germline. Inheritance: Autosomal dominant inheritance. Observed: 2 variant alleles, 2 heterozygotes.
Comment: This variant causes a T to A nucleotide substitution at the -15 position of intron 22 of the TSC2 gene. To our knowledge, RNA studies have not been reported for this variant. This variant has not been reported in individuals affected with TSC2-related disorders in the literature. This variant has not been identified in the general population by the Genome Aggregation Database (gnomAD). The available evidence is insufficient to determine the role of this variant in disease conclusively. Therefore, this variant is classified as a Variant of Uncertain Significance.

This study involves interpretation of variants in research participants for the purpose of population health screening. Participant phenotype was not available at the time of variant classification. Additional details can be found in publication PMID: 35346344, PMCID: PMC8962531

Labcorp Genetics (formerly Invitae), Labcorp
Classification: Likely benign for Tuberous sclerosis 2. Last evaluated: 2023-01-21. Review status: criteria provided, single submitter. Criteria: Invitae Variant Classification Sherloc (09022015). Collection method: clinical testing. Allele origin: germline.

NM_000548.5(TSC2):c.2546-15T>A

Gene: TSC2 (TSC complex subunit 2; plus strand). Cytogenetic location: 16p13.3.
Variant type: single nucleotide variant.
Coding change: c.2546-15T>A on transcript NM_000548.5 (MANE Select); 15 bases into the intron before coding-DNA position 2546, T replaced by A.
Molecular consequence: intron variant.
Genome position (GRCh38, 1-based): chr16:2,075,784, T>A. VCF-style: chr16-2075784-T-A. GRCh37 (hg19) VCF-style: chr16-2125785-T-A.
Other names: c.2546-15T>A (NM_001114382.3, NM_021055.3, NM_001370405.1 and 3 more transcripts); c.2435-15T>A (NM_001318827.2); c.1946-15T>A (NM_001318831.2); c.2399-15T>A (NM_001318829.2); c.2579-15T>A (NM_001318832.2).
Identifiers: ClinVar variation 2138813 (VCV002138813.5), dbSNP rs371256839, ClinGen allele CA2580090846.
Genomic context (GRCh38, chr16:2,075,784, plus strand): 5'-CAGAGCAGCCGTGTTGGCCTTCAGAGGCGCTGCACGGGACCCCGGCTCCCCTGACCACCC[T>A]CTCCATTACCGCAGCTCTGGCCAGGCTGCCGCACCTCTACAGGAACTTTGCCGCGGAGCA-3'